The following is an entry in ClinVar:

ClinVar aggregate classification (germline): Uncertain significance (1 of 4 stars; one submission).

Allele frequency attached by ClinVar (database versions not stated): ESP Exome Variant Server 0.00008.
gnomAD v4.1: 5 of 1,612,688 alleles (0.00031%); highest among the groups gnomAD compares: Non-Finnish European, 0.00042%; no homozygotes.

Submission:

Labcorp Genetics (formerly Invitae), Labcorp
Classification: Uncertain significance. Last evaluated: 2024-10-07. Review status: criteria provided, single submitter. Criteria: Invitae Variant Classification Sherloc (09022015). Collection method: clinical testing. Allele origin: germline.
Comment: This sequence change replaces valine, which is neutral and non-polar, with isoleucine, which is neutral and non-polar, at codon 3999 of the PCLO protein (p.Val3999Ile). This variant is present in population databases (rs371947620, gnomAD 0.002%). This variant has not been reported in the literature in individuals affected with PCLO-related conditions. ClinVar contains an entry for this variant (Variation ID: 1362320). Experimental studies and prediction algorithms are not available or were not evaluated, and the functional significance of this variant is currently unknown. In summary, the available evidence is currently insufficient to determine the role of this variant in disease. Therefore, it has been classified as a Variant of Uncertain Significance.

NM_033026.6(PCLO):c.11995G>A (p.Val3999Ile)

Gene: PCLO (piccolo presynaptic cytomatrix protein; minus strand). Cytogenetic location: 7q21.11.
Variant type: single nucleotide variant.
Coding change: c.11995G>A on transcript NM_033026.6 (MANE Select); coding-DNA position 11995, G replaced by A.
Protein change: p.Val3999Ile; replaces valine 3999 with isoleucine.
Molecular consequence: missense variant.
Genome position (GRCh38, 1-based): chr7:82,915,991, C>T on the plus strand (G>A on the coding strand, the complement: PCLO is on the minus strand). VCF-style: chr7-82915991-C-T. GRCh37 (hg19) VCF-style: chr7-82545307-C-T.
Other names: c.11995G>A, p.Val3999Ile (NM_014510.3); short protein forms V3999I.
Identifiers: ClinVar variation 1362320 (VCV001362320.8), dbSNP rs371947620, ClinGen allele CA4319463.